The following is an entry in ClinVar:

NM_005732.4(RAD50):c.3707dup (p.Asn1236fs)

Genes: RAD50 (RAD50 double strand break repair protein; plus strand), TH2-LCR (Th2 cytokine locus control region; plus strand), TH2LCRR (T helper type 2 locus control region associated RNA; minus strand). Cytogenetic location: 5q31.1.
Variant type: Duplication.
Coding change: c.3707dup on transcript NM_005732.4 (MANE Select); coding-DNA position 3707, one base duplicated (A; older notation c.3707dupA).
Protein change: p.Asn1236fs; shifts the reading frame from asparagine 1236.
Molecular consequence: frameshift variant.
Genome position (GRCh38, 1-based): chr5:132,640,760, A duplicated; the last of 3 consecutive A bases (chr5:132,640,758-132,640,760); duplicating any one gives the same sequence. VCF-style (leftmost placement, unchanged base first): chr5-132640757-C-CA. GRCh37 (hg19) VCF-style: chr5-131976449-C-CA.
Other names: c.3707dupA (NM_005732.3); short protein forms N1236fs.
Identifiers: ClinVar variation 484720 (VCV000484720.5), dbSNP rs1554101189, ClinGen allele CA658657541.

ClinVar aggregate classification (germline): Pathogenic (1 of 4 stars; one submission).

Conditions:
Hereditary cancer-predisposing syndrome. Also called: Neoplastic Syndromes, Hereditary; Tumor predisposition; Hereditary Cancer Syndrome; Hereditary neoplastic syndrome. Identifiers: Orphanet 140162, MedGen C0027672, MeSH D009386, MONDO:0015356.

Submission:

Ambry Genetics
Classification: Pathogenic for Hereditary cancer-predisposing syndrome. Last evaluated: 2017-08-03. Review status: criteria provided, single submitter. Criteria: Ambry Variant Classification Scheme 2023. Collection method: clinical testing. Allele origin: germline.
Comment: The c.3707dupA pathogenic mutation, located in coding exon 24 of the RAD50 gene, results from a duplication of A at nucleotide position 3707, causing a translational frameshift with a predicted alternate stop codon (p.N1236Kfs*3). This alteration is expected to result in loss of function by premature protein truncation. As such, this alteration is interpreted as a disease-causing mutation.